The following is an entry in ClinVar:

NM_025114.4(CEP290):c.1460A>G (p.Asn487Ser)

Gene: CEP290 (centrosomal protein 290; minus strand). Cytogenetic location: 12q21.32.
Variant type: single nucleotide variant.
Coding change: c.1460A>G on transcript NM_025114.4 (MANE Select); coding-DNA position 1460, A replaced by G.
Protein change: p.Asn487Ser; replaces asparagine 487 with serine.
Molecular consequence: missense variant.
Genome position (GRCh38, 1-based): chr12:88,120,176, T>C on the plus strand (A>G on the coding strand, the complement: CEP290 is on the minus strand). VCF-style: chr12-88120176-T-C. GRCh37 (hg19) VCF-style: chr12-88513953-T-C.
Other names: c.1460A>G (NM_025114.3); short protein forms N487S.
Identifiers: ClinVar variation 1010674 (VCV001010674.11), dbSNP rs1331263277, ClinGen allele CA385979922.

ClinVar aggregate classification (germline): Uncertain significance. Review status: criteria provided, multiple submitters, no conflicts (2 of 4 stars). 6 submissions from 6 submitters: Uncertain significance (4). 2 of the submissions do not count toward it. Last evaluated 2025-04-08.

Conditions:
Meckel syndrome, type 4 (MKS4). Also called: MECKEL-GRUBER SYNDROME, TYPE 4. Identifiers: Orphanet 564, MedGen C1970161, MONDO:0012626, OMIM 611134.
Bardet-Biedl syndrome 14 (BBS14). Identifiers: Orphanet 110, MedGen C2673874, MONDO:0014442, OMIM 615991.
Joubert syndrome 5 (JBTS5). Identifiers: Orphanet 2318, MedGen C1857780, MONDO:0012432, OMIM 610188.
Leber congenital amaurosis 10 (LCA10). Identifiers: Orphanet 65, MedGen C1857821, MONDO:0012723, OMIM 611755.
Senior-Loken syndrome 6 (SLSN6). Identifiers: Orphanet 3156, MedGen C1857779, MONDO:0012433, OMIM 610189.
Leber congenital amaurosis (LCA). Also called: Leber's amaurosis. Identifiers: Orphanet 65, MedGen C0339527, MeSH D057130, MONDO:0018998.
Inborn genetic diseases. Identifiers: MedGen C0950123, MeSH D030342.
Joubert syndrome. Also called: JOUBERT-BOLTSHAUSER SYNDROME; Familial aplasia of the vermis. Identifiers: Orphanet 475, MedGen C5979921, MONDO:0018772.
Nephronophthisis. Also called: Juvenile Nephronophthisis. Identifiers: Orphanet 655, MedGen C0687120, MONDO:0019005, HP:0000090.
Meckel-Gruber syndrome. Also called: DYSENCEPHALIA SPLANCHNOCYSTICA; GRUBER SYNDROME; Dysencephalia splachnocystica. Identifiers: Orphanet 564, MedGen C0265215, MONDO:0018921.
CEP290-related disorder. Also called: CEP290-related condition; CEP290-related disorders. Identifiers: MedGen CN239314.

Allele frequency attached by ClinVar (database versions not stated): gnomAD 0.00001 and 0.00002; TOPMed 0.00004.
gnomAD v4.1: 6 of 1,528,202 alleles (0.00039%); highest among the groups gnomAD compares: East Asian, 0.0024%; no homozygotes.

Submissions (6):

Ambry Genetics
Classification: Uncertain significance for Inborn genetic diseases. Last evaluated: 2025-04-08. Review status: criteria provided, single submitter. Criteria: Ambry Variant Classification Scheme 2023. Collection method: clinical testing. Allele origin: germline.

Fulgent Genetics
Classification: Uncertain significance for Joubert syndrome 5; Senior-Loken syndrome 6; Meckel syndrome, type 4; Leber congenital amaurosis 10; Bardet-Biedl syndrome 14. Last evaluated: 2024-03-29. Review status: criteria provided, single submitter. Criteria: ACMG Guidelines, 2015. Collection method: clinical testing. Allele origin: germline.

Blueprint Genetics
Classification: Uncertain significance. Last evaluated: 2023-10-18. Review status: criteria provided, single submitter. Criteria: ACMG Guidelines, 2015. Collection method: clinical testing. Allele origin: germline.

Labcorp Genetics (formerly Invitae), Labcorp
Classification: Uncertain significance for Joubert syndrome; Meckel-Gruber syndrome; Nephronophthisis. Last evaluated: 2022-08-16. Review status: criteria provided, single submitter. Criteria: Invitae Variant Classification Sherloc (09022015). Collection method: clinical testing. Allele origin: germline.
Comment: This sequence change replaces asparagine, which is neutral and polar, with serine, which is neutral and polar, at codon 487 of the CEP290 protein (p.Asn487Ser). This variant is not present in population databases (gnomAD no frequency). This variant has not been reported in the literature in individuals affected with CEP290-related conditions. ClinVar contains an entry for this variant (Variation ID: 1010674). Algorithms developed to predict the effect of missense changes on protein structure and function are either unavailable or do not agree on the potential impact of this missense change (SIFT: "Deleterious"; PolyPhen-2: "Possibly Damaging"; Align-GVGD: "Class C0"). In summary, the available evidence is currently insufficient to determine the role of this variant in disease. Therefore, it has been classified as a Variant of Uncertain Significance.

PreventionGenetics, part of Exact Sciences
Classification: Uncertain significance for CEP290-related condition. Last evaluated: 2024-06-18. Review status: no assertion criteria provided. Collection method: clinical testing. Allele origin: germline. Not counted in ClinVar's aggregate classification.
Comment: The CEP290 c.1460A>G variant is predicted to result in the amino acid substitution p.Asn487Ser. To our knowledge, this variant has not been reported in the literature or in a large population database, indicating this variant is rare. At this time, the clinical significance of this variant is uncertain due to the absence of conclusive functional and genetic evidence.

Natera, Inc.
Classification: Uncertain significance for Leber congenital amaurosis. Last evaluated: 2020-07-17. Review status: no assertion criteria provided. Collection method: clinical testing. Allele origin: germline. Not counted in ClinVar's aggregate classification.